The following is an entry in ClinVar:

ClinVar aggregate classification (germline): Uncertain significance (1 of 4 stars; one submission).

Conditions:
Koolen-de Vries syndrome (KDVS). Identifiers: Orphanet 96169, MedGen C1864871, MONDO:0012496, OMIM 610443.

Submission:

Labcorp Genetics (formerly Invitae), Labcorp
Classification: Uncertain significance for Koolen-de Vries syndrome. Last evaluated: 2021-09-17. Review status: criteria provided, single submitter. Criteria: Invitae Variant Classification Sherloc (09022015). Collection method: clinical testing. Allele origin: germline.
Comment: Due to the possible presence of a polymorphic segmental duplication, the location of the variant could not be unambiguously resolved. Variants with ambiguous mapping are still reported relative to the KANSL1 transcript. This sequence change replaces serine with arginine at codon 394 of the KANSL1 protein (p.Ser394Arg). The serine residue is highly conserved and there is a moderate physicochemical difference between serine and arginine. The frequency data for this variant in the population databases (ExAC) is considered unreliable due to the presence of homologous sequence, such as pseudogenes or paralogs, in the genome. This variant has not been reported in the literature in individuals with KANSL1-related conditions. Algorithms developed to predict the effect of missense changes on protein structure and function are either unavailable or do not agree on the potential impact of this missense change (SIFT: "Tolerated"; PolyPhen-2: "Possibly Damaging"; Align-GVGD: "Class C0"). Until the location of this sequence change can be resolved, the clinical significance of this variant remains uncertain. It has been classified as a Variant of Uncertain Significance.

NM_015443.4(KANSL1):c.1180A>C (p.Ser394Arg)

Gene: KANSL1 (KAT8 regulatory NSL complex subunit 1). Cytogenetic location: 17q21.31.
Variant type: single nucleotide variant.
Coding change: c.1180A>C on transcript NM_015443.4 (MANE Select); coding-DNA position 1180, A replaced by C.
Protein change: p.Ser394Arg; replaces serine 394 with arginine.
Molecular consequence: missense variant.
Genome position (GRCh38, 1-based): chr17:46,170,964, T>G on the plus strand (A>C on the coding strand, the complement: KANSL1 is on the minus strand). VCF-style: chr17-46170964-T-G. GRCh37 (hg19) VCF-style: chr17-44248330-T-G.
Other names: c.1180A>C, p.Ser394Arg (NM_001193465.2, NM_001193466.2, NM_001379198.1); short protein forms S394R.
Identifiers: ClinVar variation 1504891 (VCV001504891.5), dbSNP rs751709708, ClinGen allele CA399978899.